The following is an entry in ClinVar:

NM_001134363.3(RBM20):c.3649G>C (p.Gly1217Arg)

Gene: RBM20 (RNA binding motif protein 20; plus strand). Cytogenetic location: 10q25.2.
Variant type: single nucleotide variant.
Coding change: c.3649G>C on transcript NM_001134363.3 (MANE Select); coding-DNA position 3649, G replaced by C.
Protein change: p.Gly1217Arg; replaces glycine 1217 with arginine.
Molecular consequence: missense variant.
Genome position (GRCh38, 1-based): chr10:110,835,943, G>C. VCF-style: chr10-110835943-G-C. GRCh37 (hg19) VCF-style: chr10-112595701-G-C.
Other names: short protein forms G1217R.
Identifiers: ClinVar variation 1982429 (VCV001982429.5), dbSNP rs867232627, ClinGen allele CA378388269.

ClinVar aggregate classification (germline): Uncertain significance. Review status: criteria provided, multiple submitters, no conflicts (2 of 4 stars). 2 submissions from 2 submitters: Uncertain significance (2). Last evaluated 2024-12-07.

Conditions:
Dilated cardiomyopathy 1DD (CMD1DD). Identifiers: Orphanet 154, MedGen C2750995, MONDO:0013168, OMIM 613172.

Submissions (2):

GeneDx
Classification: Uncertain significance. Last evaluated: 2024-12-07. Review status: criteria provided, single submitter. Criteria: GeneDx Variant Classification Process June 2021. Collection method: clinical testing. Allele origin: germline. Affected: yes.
Comment: Not observed at significant frequency in large population cohorts (gnomAD); In silico analysis supports that this missense variant has a deleterious effect on protein structure/function; Has not been previously published as pathogenic or benign to our knowledge

Labcorp Genetics (formerly Invitae), Labcorp
Classification: Uncertain significance for Dilated cardiomyopathy 1DD. Last evaluated: 2022-05-10. Review status: criteria provided, single submitter. Criteria: Invitae Variant Classification Sherloc (09022015). Collection method: clinical testing. Allele origin: germline.
Comment: In summary, the available evidence is currently insufficient to determine the role of this variant in disease. Therefore, it has been classified as a Variant of Uncertain Significance. Advanced modeling of protein sequence and biophysical properties (such as structural, functional, and spatial information, amino acid conservation, physicochemical variation, residue mobility, and thermodynamic stability) performed at Invitae indicates that this missense variant is expected to disrupt RBM20 protein function. This variant has not been reported in the literature in individuals affected with RBM20-related conditions. This variant is not present in population databases (gnomAD no frequency). This sequence change replaces glycine, which is neutral and non-polar, with arginine, which is basic and polar, at codon 1217 of the RBM20 protein (p.Gly1217Arg).